The following is an entry in ClinVar:

NM_001567.4(INPPL1):c.2845C>T (p.Arg949Ter)

Gene: INPPL1 (inositol polyphosphate phosphatase like 1; plus strand). Cytogenetic location: 11q13.4.
Variant type: single nucleotide variant.
Coding change: c.2845C>T on transcript NM_001567.4 (MANE Select); coding-DNA position 2845, C replaced by T.
Protein change: p.Arg949Ter; replaces arginine 949 with a stop codon.
Molecular consequence: nonsense.
Genome position (GRCh38, 1-based): chr11:72,235,952, C>T. VCF-style: chr11-72235952-C-T. GRCh37 (hg19) VCF-style: chr11-71946996-C-T.
Other names: short protein forms R949*.
Identifiers: ClinVar variation 1457946 (VCV001457946.9), dbSNP rs754591389, ClinGen allele CA6170479.

ClinVar aggregate classification (germline): Pathogenic. Review status: criteria provided, multiple submitters, no conflicts (2 of 4 stars). 2 submissions from 2 submitters: Pathogenic (2). Last evaluated 2024-03-07.

Conditions:
INPPL1-related disorders.

Allele frequency attached by ClinVar (database versions not stated): gnomAD exomes below 0.00001 and 0.00001; TOPMed below 0.00001; ExAC 0.00001.
gnomAD v4.1: 5 of 1,608,214 alleles (0.00031%); highest among the groups gnomAD compares: Non-Finnish European, 0.00025%; no homozygotes.

Submissions (2):

Labcorp Genetics (formerly Invitae), Labcorp
Classification: Pathogenic. Last evaluated: 2024-03-07. Review status: criteria provided, single submitter. Criteria: Invitae Variant Classification Sherloc (09022015). Collection method: clinical testing. Allele origin: germline.
Comment: This sequence change creates a premature translational stop signal (p.Arg949*) in the INPPL1 gene. It is expected to result in an absent or disrupted protein product. Loss-of-function variants in INPPL1 are known to be pathogenic (PMID: 23273567, 23273569). This variant is present in population databases (rs754591389, gnomAD 0.005%). This premature translational stop signal has been observed in individual(s) with opsismodysplasia (PMID: 23273569). It has also been observed to segregate with disease in related individuals. ClinVar contains an entry for this variant (Variation ID: 1457946). For these reasons, this variant has been classified as Pathogenic.

Blueprint Genetics
Classification: Pathogenic for INPPL1-related disorders. Last evaluated: 2021-07-27. Review status: criteria provided, single submitter. Criteria: ACMG Guidelines, 2015. Collection method: clinical testing. Allele origin: germline. Affected: yes. Observed: 3 variant alleles.

Literature cited by the submitters: PubMed 23273567 (cited by Labcorp Genetics (formerly Invitae), Labcorp); PubMed 23273569 (cited by Labcorp Genetics (formerly Invitae), Labcorp).